The following is an entry in ClinVar:

NM_007317.3(KIF22):c.313G>A (p.Ala105Thr)

Gene: KIF22 (kinesin family member 22; plus strand). Cytogenetic location: 16p11.2.
Variant type: single nucleotide variant.
Coding change: c.313G>A on transcript NM_007317.3 (MANE Select); coding-DNA position 313, G replaced by A.
Protein change: p.Ala105Thr; replaces alanine 105 with threonine.
Molecular consequence: missense variant.
Genome position (GRCh38, 1-based): chr16:29,798,420, G>A. VCF-style: chr16-29798420-G-A. GRCh37 (hg19) VCF-style: chr16-29809741-G-A.
Other names: c.313G>A (NM_007317.2, NM_007317.1); c.109G>A, p.Ala37Thr (NM_001256269.2, NM_001256270.1); short protein forms A37T, A105T.
Identifiers: ClinVar variation 1374188 (VCV001374188.12), dbSNP rs200000231, ClinGen allele CA7992961.

ClinVar aggregate classification (germline): Uncertain significance. Review status: criteria provided, multiple submitters, no conflicts (2 of 4 stars). 4 submissions from 4 submitters: Uncertain significance (4). Last evaluated 2026-01-19.

Conditions:
KIF22-related disorder. Also called: KIF22-related condition.

Allele frequency attached by ClinVar (database versions not stated): gnomAD 0.00004 and 0.00005; gnomAD exomes 0.00004; ExAC 0.00005; TOPMed 0.00006; 1000 Genomes Project 30x 0.00016; 1000 Genomes Project 0.00020.
gnomAD v4.1: 65 of 1,613,500 alleles (0.004%); highest among the groups gnomAD compares: Middle Eastern, 0.067%; no homozygotes.

Submissions (4):

Labcorp Genetics (formerly Invitae), Labcorp
Classification: Uncertain significance. Last evaluated: 2026-01-19. Review status: criteria provided, single submitter. Criteria: Invitae Variant Classification Sherloc (09022015). Collection method: clinical testing. Allele origin: germline.
Comment: This sequence change replaces alanine, which is neutral and non-polar, with threonine, which is neutral and polar, at codon 105 of the KIF22 protein (p.Ala105Thr). This variant is present in population databases (rs200000231, gnomAD 0.004%). This variant has not been reported in the literature in individuals affected with KIF22-related conditions. ClinVar contains an entry for this variant (Variation ID: 1374188). Invitae Evidence Modeling of protein sequence and biophysical properties (such as structural, functional, and spatial information, amino acid conservation, physicochemical variation, residue mobility, and thermodynamic stability) indicates that this missense variant is not expected to disrupt KIF22 protein function with a negative predictive value of 80%. In summary, the available evidence is currently insufficient to determine the role of this variant in disease. Therefore, it has been classified as a Variant of Uncertain Significance.

PreventionGenetics, part of Exact Sciences
Classification: Uncertain significance for KIF22-related condition. Last evaluated: 2025-09-08. Review status: criteria provided, single submitter. Criteria: ACMG Guidelines, 2015. Collection method: clinical testing. Allele origin: germline.
Comment: The KIF22 c.313G>A variant is predicted to result in the amino acid substitution p.Ala105Thr. To our knowledge, this variant has not been reported in the literature. This variant is reported in 0.0062% of alleles in individuals of European (Non-Finnish) descent in gnomAD. At this time, the clinical significance of this variant is uncertain due to the absence of conclusive functional and genetic evidence.

Ambry Genetics
Classification: Uncertain significance. Last evaluated: 2025-08-26. Review status: criteria provided, single submitter. Criteria: Ambry Variant Classification Scheme 2023. Collection method: clinical testing. Allele origin: germline.

Breakthrough Genomics
Classification: Uncertain significance. Review status: criteria provided, single submitter. Criteria: ACMG Guidelines, 2015. Collection method: not provided. Allele origin: germline. Inheritance: Autosomal dominant inheritance. Affected: yes.